The following is an entry in ClinVar:

NM_022765.4(MICAL1):c.790A>G (p.Ile264Val)

Gene: MICAL1 (microtubule associated monooxygenase, calponin and LIM domain containing 1; minus strand). Cytogenetic location: 6q21.
Variant type: single nucleotide variant.
Coding change: c.790A>G on transcript NM_022765.4 (MANE Select); coding-DNA position 790, A replaced by G.
Protein change: p.Ile264Val; replaces isoleucine 264 with valine.
Molecular consequence: missense variant.
Genome position (GRCh38, 1-based): chr6:109,452,288, T>C on the plus strand (A>G on the coding strand, the complement: MICAL1 is on the minus strand). VCF-style: chr6-109452288-T-C. GRCh37 (hg19) VCF-style: chr6-109773491-T-C.
Other names: c.790A>G (NM_022765.3); c.790A>G, p.Ile264Val (NM_001159291.2); c.847A>G, p.Ile283Val (NM_001286613.2); short protein forms I264V, I283V.
Identifiers: ClinVar variation 2416129 (VCV002416129.7), dbSNP rs770136723, ClinGen allele CA3953625.

ClinVar aggregate classification (germline): Uncertain significance. Review status: criteria provided, multiple submitters, no conflicts (2 of 4 stars). 2 submissions from 2 submitters: Uncertain significance (2). Last evaluated 2025-01-24.

Allele frequency attached by ClinVar (database versions not stated): ExAC 0.00001; gnomAD exomes 0.00001; gnomAD 0.00004; TOPMed 0.00005.

Submissions (2):

Ambry Genetics
Classification: Uncertain significance. Last evaluated: 2025-01-24. Review status: criteria provided, single submitter. Criteria: Ambry Variant Classification Scheme 2023. Collection method: clinical testing. Allele origin: germline.

Labcorp Genetics (formerly Invitae), Labcorp
Classification: Uncertain significance. Last evaluated: 2024-12-07. Review status: criteria provided, single submitter. Criteria: Invitae Variant Classification Sherloc (09022015). Collection method: clinical testing. Allele origin: germline.
Comment: This sequence change replaces isoleucine, which is neutral and non-polar, with valine, which is neutral and non-polar, at codon 283 of the MICAL1 protein (p.Ile283Val). This variant is present in population databases (rs770136723, gnomAD 0.006%). This variant has not been reported in the literature in individuals affected with MICAL1-related conditions. ClinVar contains an entry for this variant (Variation ID: 2416129). An algorithm developed to predict the effect of missense changes on protein structure and function (PolyPhen-2) suggests that this variant is likely to be disruptive. In summary, the available evidence is currently insufficient to determine the role of this variant in disease. Therefore, it has been classified as a Variant of Uncertain Significance.